The following is an entry in ClinVar:

ClinVar aggregate classification (germline): Uncertain significance. Review status: criteria provided, multiple submitters, no conflicts (2 of 4 stars). 4 submissions from 4 submitters: Uncertain significance (4). Last evaluated 2025-04-01.

Conditions:
Inborn genetic diseases. Identifiers: MedGen C0950123, MeSH D030342.
Combined immunodeficiency due to LRBA deficiency. Also called: Common variable immunodeficiency 8, with autoimmunity. Identifiers: Orphanet 445018, MedGen C3553512, MONDO:0013863, OMIM 614700.

Allele frequency attached by ClinVar (database versions not stated): gnomAD 0.00004 and 0.00005; ExAC 0.00007; TOPMed 0.00007; ESP Exome Variant Server 0.00008; 1000 Genomes Project 30x 0.00016; 1000 Genomes Project 0.00020.
gnomAD v4.1: 176 of 1,613,568 alleles (0.011%); highest among the groups gnomAD compares: Middle Eastern, 0.033%; no homozygotes.

Submissions (4):

Ambry Genetics
Classification: Uncertain significance for Inborn genetic diseases. Last evaluated: 2025-04-01. Review status: criteria provided, single submitter. Criteria: Ambry Variant Classification Scheme 2023. Collection method: clinical testing. Allele origin: germline.

Blueprint Genetics
Classification: Uncertain significance. Last evaluated: 2024-09-13. Review status: criteria provided, single submitter. Criteria: ACMG Guidelines, 2015. Collection method: clinical testing. Allele origin: germline.

Mayo Clinic Laboratories, Mayo Clinic
Classification: Uncertain significance. Last evaluated: 2024-05-31. Review status: criteria provided, single submitter. Criteria: ACMG Guidelines, 2015. Collection method: clinical testing. Allele origin: germline. Observed: 1 variant allele.

Labcorp Genetics (formerly Invitae), Labcorp
Classification: Uncertain significance for Combined immunodeficiency due to LRBA deficiency. Last evaluated: 2022-04-05. Review status: criteria provided, single submitter. Criteria: Invitae Variant Classification Sherloc (09022015). Collection method: clinical testing. Allele origin: germline.
Comment: This sequence change replaces arginine, which is basic and polar, with tryptophan, which is neutral and slightly polar, at codon 2854 of the LRBA protein (p.Arg2854Trp). This variant is present in population databases (rs140571055, gnomAD 0.01%). This variant has not been reported in the literature in individuals affected with LRBA-related conditions. ClinVar contains an entry for this variant (Variation ID: 968943). Algorithms developed to predict the effect of missense changes on protein structure and function are either unavailable or do not agree on the potential impact of this missense change (SIFT: "Deleterious"; PolyPhen-2: "Probably Damaging"; Align-GVGD: "Class C0"). In summary, the available evidence is currently insufficient to determine the role of this variant in disease. Therefore, it has been classified as a Variant of Uncertain Significance.

NM_001364905.1(LRBA):c.8527C>T (p.Arg2843Trp)

Gene: LRBA (LPS responsive beige-like anchor protein; minus strand). Cytogenetic location: 4q31.3.
Variant type: single nucleotide variant.
Coding change: c.8527C>T on transcript NM_001364905.1 (MANE Select); coding-DNA position 8527, C replaced by T.
Protein change: p.Arg2843Trp; replaces arginine 2843 with tryptophan.
Molecular consequence: missense variant.
Genome position (GRCh38, 1-based): chr4:150,265,754, G>A on the plus strand (C>T on the coding strand, the complement: LRBA is on the minus strand). VCF-style: chr4-150265754-G-A. GRCh37 (hg19) VCF-style: chr4-151186906-G-A.
Other names: p.Arg2854Trp; c.8524C>T, p.Arg2842Trp (NM_001199282.3); c.8542C>T, p.Arg2848Trp (NM_001367550.1); c.8560C>T, p.Arg2854Trp (NM_006726.5); short protein forms R2843W, R2842W, R2848W, R2854W.
Identifiers: ClinVar variation 968943 (VCV000968943.7), dbSNP rs140571055, ClinGen allele CA3101311.